The following is an entry in ClinVar:

NM_001211.6(BUB1B):c.902C>T (p.Pro301Leu)

Gene: BUB1B (BUB1 mitotic checkpoint serine/threonine kinase B; plus strand). Cytogenetic location: 15q15.1.
Variant type: single nucleotide variant.
Coding change: c.902C>T on transcript NM_001211.6 (MANE Select); coding-DNA position 902, C replaced by T.
Protein change: p.Pro301Leu; replaces proline 301 with leucine.
Molecular consequence: missense variant.
Genome position (GRCh38, 1-based): chr15:40,185,315, C>T. VCF-style: chr15-40185315-C-T. GRCh37 (hg19) VCF-style: chr15-40477516-C-T.
Other names: short protein forms P301L.
Identifiers: ClinVar variation 1765529 (VCV001765529.3), dbSNP rs1017808264, ClinGen allele CA268783637.

ClinVar aggregate classification (germline): Uncertain significance (1 of 4 stars; one submission).

Conditions:
Inborn genetic diseases. Identifiers: MedGen C0950123, MeSH D030342.

Allele frequency attached by ClinVar (database versions not stated): TOPMed below 0.00001.

Submission:

Ambry Genetics
Classification: Uncertain significance for Inborn genetic diseases. Last evaluated: 2025-12-06. Review status: criteria provided, single submitter. Criteria: Ambry Variant Classification Scheme 2023. Collection method: clinical testing. Allele origin: germline.
Comment: The p.P301L variant (also known as c.902C>T), located in coding exon 7 of the BUB1B gene, results from a C to T substitution at nucleotide position 902. The proline at codon 301 is replaced by leucine, an amino acid with similar properties. This amino acid position is conserved. In addition, this alteration is predicted to be tolerated by in silico analysis. Since supporting evidence is limited at this time, the clinical significance of this alteration remains unclear.